The following is an entry in ClinVar:

NM_000127.3(EXT1):c.639_640del (p.Gln213fs)

Gene: EXT1 (exostosin glycosyltransferase 1; minus strand). Cytogenetic location: 8q24.11.
Variant type: Deletion.
Coding change: c.639_640del on transcript NM_000127.3 (MANE Select); coding-DNA positions 639 to 640, 2 bases deleted (GG; older notation c.639_640delGG).
Protein change: p.Gln213fs; shifts the reading frame from glutamine 213.
Molecular consequence: frameshift variant.
Genome position (GRCh38, 1-based): chr8:118,110,407-118,110,408, CC deleted on the plus strand (GG on the coding strand, the reverse complement: EXT1 is on the minus strand). VCF-style (leftmost placement, unchanged base first): chr8-118110406-GCC-G. GRCh37 (hg19) VCF-style: chr8-119122645-GCC-G.
Other names: short protein forms Q213fs.
Identifiers: ClinVar variation 3657089 (VCV003657089.2).

ClinVar aggregate classification (germline): Pathogenic (1 of 4 stars; one submission).

Conditions:
Multiple congenital exostosis (EXT). Also called: Hereditary multiple osteochondromas; MULTIPLE CARTILAGINOUS EXOSTOSES; Hereditary multiple exostoses; Hereditary multiple exostosis; Multiple osteochondromas; Multiple exostoses. Identifiers: Orphanet 321, MedGen C0015306, MONDO:0005508, HP:0002762.

Submission:

Labcorp Genetics (formerly Invitae), Labcorp
Classification: Pathogenic for Multiple congenital exostosis. Last evaluated: 2024-06-20. Review status: criteria provided, single submitter. Criteria: Invitae Variant Classification Sherloc (09022015). Collection method: clinical testing. Allele origin: germline.
Comment: This sequence change creates a premature translational stop signal (p.Gln213Hisfs*11) in the EXT1 gene. It is expected to result in an absent or disrupted protein product. Loss-of-function variants in EXT1 are known to be pathogenic (PMID: 10679937, 11391482, 19810120). This variant is not present in population databases (gnomAD no frequency). This variant has not been reported in the literature in individuals affected with EXT1-related conditions. For these reasons, this variant has been classified as Pathogenic.

Literature cited by the submitters: PubMed 10679937; PubMed 11391482; PubMed 19810120.